The following is an entry in ClinVar:

ClinVar aggregate classification (germline): Benign/Likely benign. Review status: criteria provided, multiple submitters, no conflicts (2 of 4 stars). 4 submissions from 4 submitters: Benign (3); Likely benign (1). Last evaluated 2026-02-03.

Allele frequency attached by ClinVar (database versions not stated): 1000 Genomes Project 30x 0.00359; 1000 Genomes Project 0.00399; TOPMed 0.00726; gnomAD 0.00740 and 0.00765; gnomAD exomes 0.01177 and 0.02317; ExAC 0.25000.
gnomAD v4.1: 13,287 of 1,186,482 alleles (1.1%); highest among the groups gnomAD compares: South Asian, 1.6%; 109 homozygotes.

Submissions (4):

Labcorp Genetics (formerly Invitae), Labcorp
Classification: Benign. Last evaluated: 2026-02-03. Review status: criteria provided, single submitter. Criteria: Invitae Variant Classification Sherloc (09022015). Collection method: clinical testing. Allele origin: germline.

Blueprint Genetics
Classification: Likely benign. Last evaluated: 2024-11-28. Review status: criteria provided, single submitter. Criteria: ACMG Guidelines, 2015. Collection method: clinical testing. Allele origin: germline.

CeGaT Center for Human Genetics Tuebingen
Classification: Benign. Last evaluated: 2024-07-01. Review status: criteria provided, single submitter. Criteria: CeGaT Center For Human Genetics Tuebingen Variant Classification Criteria Version 2. Collection method: clinical testing. Allele origin: germline. Affected: yes. Observed: 25 variant alleles.
Comment: GRIN2D: BP4, BP7, BS1, BS2

Breakthrough Genomics
Classification: Benign. Review status: criteria provided, single submitter. Criteria: ACMG Guidelines, 2015. Collection method: not provided. Allele origin: germline. Inheritance: Autosomal dominant inheritance. Affected: yes.

NM_000836.4(GRIN2D):c.3657G>A (p.Leu1219=)

Gene: GRIN2D (glutamate ionotropic receptor NMDA type subunit 2D; plus strand). Cytogenetic location: 19q13.33.
Variant type: single nucleotide variant.
Coding change: c.3657G>A on transcript NM_000836.4 (MANE Select); coding-DNA position 3657, G replaced by A.
Protein change: p.Leu1219=; no amino-acid change (leucine 1219 retained).
Molecular consequence: synonymous variant.
Genome position (GRCh38, 1-based): chr19:48,443,583, G>A. VCF-style: chr19-48443583-G-A. GRCh37 (hg19) VCF-style: chr19-48946840-G-A.
Identifiers: ClinVar variation 1169577 (VCV001169577.42), dbSNP rs534218101, ClinGen allele CA9550868.